The following is an entry in ClinVar:

NM_000179.3(MSH6):c.364G>A (p.Glu122Lys)

Gene: MSH6 (mutS homolog 6; plus strand). Cytogenetic location: 2p16.3.
Variant type: single nucleotide variant.
Coding change: c.364G>A on transcript NM_000179.3 (MANE Select); coding-DNA position 364, G replaced by A.
Protein change: p.Glu122Lys; replaces glutamic acid 122 with lysine.
Molecular consequence: missense variant. On other transcripts: 5 prime UTR variant (2), intron variant (1).
Genome position (GRCh38, 1-based): chr2:47,791,030, G>A. VCF-style: chr2-47791030-G-A. GRCh37 (hg19) VCF-style: chr2-48018169-G-A.
Other names: p.E122K:GAG>AAG; c.-373G>A (NM_001281493.2); c.-539G>A (NM_001281494.2); c.237+7560G>A (NM_001281492.2); short protein forms E122K.
Identifiers: ClinVar variation 182662 (VCV000182662.31), dbSNP rs143036974, ClinGen allele CA013730.

ClinVar aggregate classification (germline): Benign/Likely benign. Review status: criteria provided, multiple submitters, no conflicts (2 of 4 stars). 8 submissions from 8 submitters: Benign (2); Likely benign (5). 1 of the submissions does not count toward it. Last evaluated 2026-01-18.

Conditions:
Hereditary nonpolyposis colorectal neoplasms. Identifiers: MedGen C0009405, MeSH D003123.
Hereditary cancer-predisposing syndrome. Also called: Tumor predisposition; Hereditary Cancer Syndrome; Hereditary neoplastic syndrome; Neoplastic Syndromes, Hereditary. Identifiers: Orphanet 140162, MedGen C0027672, MeSH D009386, MONDO:0015356.
Lynch syndrome 5 (LYNCH5). Also called: Colorectal cancer, hereditary nonpolyposis, type 5; Hereditary non-polyposis colorectal cancer, type 5. Identifiers: Orphanet 144, MedGen C1833477, MONDO:0013710, OMIM 614350. Disease mechanism: loss of function.

Allele frequency attached by ClinVar (database versions not stated): gnomAD 0.00003 and 0.00004; gnomAD exomes 0.00003 and 0.00010; TOPMed 0.00003; ExAC 0.00005; ESP Exome Variant Server 0.00008.
gnomAD v4.1: 43 of 1,614,106 alleles (0.0027%); highest among the groups gnomAD compares: Admixed American, 0.037%; no homozygotes.

Submissions (8):

Labcorp Genetics (formerly Invitae), Labcorp
Classification: Likely benign for Hereditary nonpolyposis colorectal neoplasms. Last evaluated: 2026-01-18. Review status: criteria provided, single submitter. Criteria: Invitae Variant Classification Sherloc (09022015). Collection method: clinical testing. Allele origin: germline.

Myriad Genetics, Inc.
Classification: Benign for Lynch syndrome 5. Last evaluated: 2024-12-18. Review status: criteria provided, single submitter. Criteria: Myriad Autosomal Dominant, Autosomal Recessive and X-Linked Classification Criteria (2023). Collection method: clinical testing. Allele origin: unknown.
Comment: This variant is considered benign. This variant has been observed in conjunction with multiple pathogenic variants, reducing the likelihood this variant itself is pathogenic. This variant is strongly associated with less severe personal and family histories of cancer, typical for individuals without pathogenic variants in this gene [PMID: 27363726].

Color Diagnostics, LLC DBA Color Health
Classification: Benign for Hereditary cancer-predisposing syndrome. Last evaluated: 2024-10-02. Review status: criteria provided, single submitter. Criteria: ACMG Guidelines, 2015. Collection method: clinical testing. Allele origin: germline.

Women's Health and Genetics/Laboratory Corporation of America, LabCorp
Classification: Likely benign. Last evaluated: 2024-04-24. Review status: criteria provided, single submitter. Criteria: LabCorp Variant Classification Summary - May 2015. Collection method: clinical testing. Allele origin: germline.
Comment: Variant summary: MSH6 c.364G>A (p.Glu122Lys) results in a conservative amino acid change located in the PWWP domain of the encoded protein sequence. Four of five in-silico tools predict a benign effect of the variant on protein function. The variant allele was found at a frequency of 9.5e-05 in 251490 control chromosomes, predominantly at a frequency of 0.00055 within the Latino subpopulation in the gnomAD database. The observed variant frequency within Latino control individuals in the gnomAD database is approximately 4 fold of the estimated maximal expected allele frequency for a pathogenic variant in MSH6 causing Hereditary Nonpolyposis Colorectal Cancer phenotype (0.00014), strongly suggesting that the variant is a benign polymorphism found primarily in populations of Latino origin. c.364G>A has been reported in the literature. These report(s) do not provide unequivocal conclusions about association of the variant with Hereditary Nonpolyposis Colorectal Cancer. To our knowledge, no experimental evidence demonstrating an impact on protein function has been reported. The following publications have been ascertained in the context of this evaluation (PMID: 23621914, 25419514). ClinVar contains an entry for this variant (Variation ID: 182662). Based on the evidence outlined above, the variant was classified as likely benign.

Sema4
Classification: Likely benign for Hereditary cancer-predisposing syndrome. Last evaluated: 2022-01-26. Review status: criteria provided, single submitter. Criteria: Sema4 Curation Guidelines. Collection method: curation. Allele origin: germline.

Ambry Genetics
Classification: Likely benign for Hereditary cancer-predisposing syndrome. Last evaluated: 2021-06-11. Review status: criteria provided, single submitter. Criteria: Ambry Variant Classification Scheme 2023. Collection method: clinical testing. Allele origin: germline.

GeneDx
Classification: Likely benign. Last evaluated: 2019-01-07. Review status: criteria provided, single submitter. Criteria: GeneDx Variant Classification Process June 2021. Collection method: clinical testing. Allele origin: germline. Affected: yes.
Comment: This variant is associated with the following publications: (PMID: 23621914)

Counsyl
Classification: Uncertain significance for Lynch syndrome 5. Last evaluated: 2015-11-25. Review status: no assertion criteria provided. Collection method: clinical testing. Allele origin: unknown. Not counted in ClinVar's aggregate classification.

Literature cited by the submitters: PubMed 27363726 (cited by Myriad Genetics, Inc.); PubMed 23621914 (cited by Women's Health and Genetics/Laboratory Corporation of America, LabCorp); PubMed 25419514 (cited by Women's Health and Genetics/Laboratory Corporation of America, LabCorp); PubMed 33471991 (cited by Ambry Genetics).